The following is an entry in ClinVar:

NM_001385012.1(NBEA):c.2263G>C (p.Ala755Pro)

Gene: NBEA (neurobeachin; plus strand). Cytogenetic location: 13q13.3.
Variant type: single nucleotide variant.
Coding change: c.2263G>C on transcript NM_001385012.1 (MANE Select); coding-DNA position 2263, G replaced by C.
Protein change: p.Ala755Pro; replaces alanine 755 with proline.
Molecular consequence: missense variant.
Genome position (GRCh38, 1-based): chr13:35,123,501, G>C. VCF-style: chr13-35123501-G-C. GRCh37 (hg19) VCF-style: chr13-35697638-G-C.
Other names: c.2263G>C, p.Ala755Pro (NM_001379245.1, NM_015678.5); short protein forms A755P.
Identifiers: ClinVar variation 3372482 (VCV003372482.1).

ClinVar aggregate classification (germline): Uncertain significance (1 of 4 stars; one submission).

Submission:

GeneDx
Classification: Uncertain significance. Last evaluated: 2024-04-11. Review status: criteria provided, single submitter. Criteria: GeneDx Variant Classification Process June 2021. Collection method: clinical testing. Allele origin: germline. Affected: yes.
Comment: Not observed at significant frequency in large population cohorts (gnomAD); In silico analysis supports that this missense variant has a deleterious effect on protein structure/function; Has not been previously published as pathogenic or benign to our knowledge